The following is an entry in ClinVar:

ClinVar aggregate classification (germline): Uncertain significance (1 of 4 stars; one submission).

Conditions:
PHIP-related disorder. Also called: PHIP-related disorders; PHIP-related condition.

gnomAD v4.1: 3 of 1,579,080 alleles (0.00019%); highest among the groups gnomAD compares: Admixed American, 0.0017%; no homozygotes.

Submission:

PreventionGenetics, part of Exact Sciences
Classification: Uncertain significance for PHIP-related condition. Last evaluated: 2026-03-04. Review status: criteria provided, single submitter. Criteria: ACMG Guidelines, 2015. Collection method: clinical testing. Allele origin: germline.
Comment: The PHIP c.3707G>A variant is predicted to result in the amino acid substitution p.Arg1236Gln. To our knowledge, this variant has not been reported in the literature or in a large population database (gnomAD), indicating this variant is rare. At this time, the clinical significance of this variant is uncertain due to the absence of conclusive functional and genetic evidence.

NM_017934.7(PHIP):c.3707G>A (p.Arg1236Gln)

Genes: IRAK1BP1 (interleukin 1 receptor associated kinase 1 binding protein 1; plus strand), PHIP (PHIP subunit of CUL4-Ring ligase complex; minus strand). Cytogenetic location: 6q14.1.
Variant type: single nucleotide variant.
Coding change: c.3707G>A on transcript NM_017934.7 (MANE Select); coding-DNA position 3707, G replaced by A.
Protein change: p.Arg1236Gln; replaces arginine 1236 with glutamine.
Molecular consequence: missense variant.
Genome position (GRCh38, 1-based): chr6:78,958,550, C>T on the plus strand (G>A on the coding strand, the complement: PHIP is on the minus strand). VCF-style: chr6-78958550-C-T. GRCh37 (hg19) VCF-style: chr6-79668267-C-T.
Other names: short protein forms R1236Q.
Identifiers: ClinVar variation 3353426 (VCV003353426.2).
Genomic context (GRCh38, chr6:78,958,550, plus strand): 5'-AGAAGATCAGTCACGAATTTAGCAGATTTCACAATAGGGCTTCCAGGCTCATTAAATGTT[C>T]GTGTATTATGCTCTATATATCGAACTTCCCACATTAGGGAAGAAACCCGCCTTAAAAAAA-3'
Protein context (NP_060404.4, residues 1226-1246): WEVRYIEHNT[Arg1236Gln]TFNEPGSPIV